The following is an entry in ClinVar:

ClinVar aggregate classification (germline): Uncertain significance. Review status: criteria provided, single submitter (1 of 4 stars). 2 submissions from 2 submitters: Uncertain significance (1). 1 of the submissions does not count toward it. Last evaluated 2023-12-22.

Conditions:
Inborn genetic diseases. Identifiers: MedGen C0950123, MeSH D030342.
TRIO-related disorder. Also called: TRIO-related disorders; TRIO-related condition.

Allele frequency attached by ClinVar (database versions not stated): TOPMed below 0.00001.
gnomAD v4.1: 1 of 1,614,272 alleles (0.000062%); highest among the groups gnomAD compares: Non-Finnish European, 0.000085%; no homozygotes.

Submissions (2):

Ambry Genetics
Classification: Uncertain significance for Inborn genetic diseases. Last evaluated: 2023-12-22. Review status: criteria provided, single submitter. Criteria: Ambry Variant Classification Scheme 2023. Collection method: clinical testing. Allele origin: germline.

PreventionGenetics, part of Exact Sciences
Classification: Uncertain significance for TRIO-related condition. Last evaluated: 2024-06-18. Review status: no assertion criteria provided. Collection method: clinical testing. Allele origin: germline. Not counted in ClinVar's aggregate classification.
Comment: The TRIO c.2319G>C variant is predicted to result in the amino acid substitution p.Glu773Asp. To our knowledge, this variant has not been reported in the literature. This variant is reported in 0.00088% of alleles in individuals of European (Non-Finnish) descent in gnomAD. At this time, the clinical significance of this variant is uncertain due to the absence of conclusive functional and genetic evidence.

NM_007118.4(TRIO):c.2319G>C (p.Glu773Asp)

Gene: TRIO (trio Rho guanine nucleotide exchange factor; plus strand). Cytogenetic location: 5p15.2.
Variant type: single nucleotide variant.
Coding change: c.2319G>C on transcript NM_007118.4 (MANE Select); coding-DNA position 2319, G replaced by C.
Protein change: p.Glu773Asp; replaces glutamic acid 773 with aspartic acid.
Molecular consequence: missense variant. On other transcripts: non-coding transcript variant (1).
Genome position (GRCh38, 1-based): chr5:14,359,459, G>C. VCF-style: chr5-14359459-G-C. GRCh37 (hg19) VCF-style: chr5-14359568-G-C.
Other names: c.2319G>C (NM_007118.3); short protein forms E773D.
Identifiers: ClinVar variation 3182860 (VCV003182860.2), dbSNP rs1427002018, ClinGen allele CA359206533.